The following is an entry in ClinVar:

NM_020937.4(FANCM):c.2162C>G (p.Ala721Gly)

Gene: FANCM (FA complementation group M; plus strand). Cytogenetic location: 14q21.2.
Variant type: single nucleotide variant.
Coding change: c.2162C>G on transcript NM_020937.4 (MANE Select); coding-DNA position 2162, C replaced by G.
Protein change: p.Ala721Gly; replaces alanine 721 with glycine.
Molecular consequence: missense variant.
Genome position (GRCh38, 1-based): chr14:45,173,056, C>G. VCF-style: chr14-45173056-C-G. GRCh37 (hg19) VCF-style: chr14-45642259-C-G.
Other names: c.2084C>G, p.Ala695Gly (NM_001308133.2); short protein forms A695G, A721G.
Identifiers: ClinVar variation 1450999 (VCV001450999.8), dbSNP rs1479368252, ClinGen allele CA389596584.

ClinVar aggregate classification (germline): Uncertain significance (1 of 4 stars; one submission).

Conditions:
Fanconi anemia (FA). Also called: Fanconi's anemia. Identifiers: Orphanet 84, MedGen C0015625, MeSH D005199, MONDO:0019391.

Submission:

Labcorp Genetics (formerly Invitae), Labcorp
Classification: Uncertain significance for Fanconi anemia. Last evaluated: 2021-06-23. Review status: criteria provided, single submitter. Criteria: Invitae Variant Classification Sherloc (09022015). Collection method: clinical testing. Allele origin: germline.
Comment: In summary, the available evidence is currently insufficient to determine the role of this variant in disease. Therefore, it has been classified as a Variant of Uncertain Significance. Algorithms developed to predict the effect of missense changes on protein structure and function (SIFT, PolyPhen-2, Align-GVGD) all suggest that this variant is likely to be tolerated, but these predictions have not been confirmed by published functional studies and their clinical significance is uncertain. This variant has not been reported in the literature in individuals with FANCM-related conditions. This variant is not present in population databases (ExAC no frequency). This sequence change replaces alanine with glycine at codon 721 of the FANCM protein (p.Ala721Gly). The alanine residue is weakly conserved and there is a small physicochemical difference between alanine and glycine.